The following is an entry in ClinVar:

NM_000038.6(APC):c.3364A>C (p.Asn1122His)

Gene: APC (APC regulator of Wnt signaling pathway; plus strand). Cytogenetic location: 5q22.2.
Variant type: single nucleotide variant.
Coding change: c.3364A>C on transcript NM_000038.6 (MANE Select); coding-DNA position 3364, A replaced by C.
Protein change: p.Asn1122His; replaces asparagine 1122 with histidine.
Molecular consequence: missense variant.
Genome position (GRCh38, 1-based): chr5:112,838,958, A>C. VCF-style: chr5-112838958-A-C. GRCh37 (hg19) VCF-style: chr5-112174655-A-C.
Other names: c.3364A>C, p.Asn1122His (NM_001127510.3, NM_001354895.2); c.3310A>C, p.Asn1104His (NM_001127511.3); c.3418A>C, p.Asn1140His (NM_001354896.2); c.3394A>C, p.Asn1132His (NM_001354897.2); c.3289A>C, p.Asn1097His (NM_001354898.2); c.3280A>C, p.Asn1094His (NM_001354899.2); c.3241A>C, p.Asn1081His (NM_001354900.2); c.3187A>C, p.Asn1063His (NM_001354901.2); and 5 more; short protein forms N1104H, N1122H, N1021H, N1081H, N1031H, N1094H, N1097H, N1132H.
Identifiers: ClinVar variation 537528 (VCV000537528.6), dbSNP rs1554084967, ClinGen allele CA16028701.

ClinVar aggregate classification (germline): Uncertain significance. Review status: criteria provided, multiple submitters, no conflicts (2 of 4 stars). 2 submissions from 2 submitters: Uncertain significance (2). Last evaluated 2025-05-30.

Conditions:
Hereditary cancer-predisposing syndrome. Also called: Tumor predisposition; Hereditary Cancer Syndrome; Hereditary neoplastic syndrome; Neoplastic Syndromes, Hereditary. Identifiers: Orphanet 140162, MedGen C0027672, MeSH D009386, MONDO:0015356.
Familial adenomatous polyposis 1 (FAP1). Also called: FAMILIAL ADENOMATOUS POLYPOSIS 1, ATTENUATED; POLYPOSIS, ADENOMATOUS INTESTINAL. Identifiers: MedGen C2713442, MONDO:0021056, OMIM 175100. Disease mechanism: loss of function.

Submissions (2):

Color Diagnostics, LLC DBA Color Health
Classification: Uncertain significance for Hereditary cancer-predisposing syndrome. Last evaluated: 2025-05-30. Review status: criteria provided, single submitter. Criteria: ACMG Guidelines, 2015. Collection method: clinical testing. Allele origin: germline.
Comment: This missense variant replaces asparagine with histidine at codon 1122 of the APC protein. Computational prediction suggests that this variant may not impact protein structure and function. To our knowledge, functional studies have not been reported for this variant. This variant has not been reported in individuals affected with APC-related disorders in the literature. This variant has not been identified in the general population by the Genome Aggregation Database (gnomAD). The available evidence is insufficient to determine the role of this variant in disease conclusively. Therefore, this variant is classified as a Variant of Uncertain Significance.

Labcorp Genetics (formerly Invitae), Labcorp
Classification: Uncertain significance for Familial adenomatous polyposis 1. Last evaluated: 2024-02-17. Review status: criteria provided, single submitter. Criteria: Invitae Variant Classification Sherloc (09022015). Collection method: clinical testing. Allele origin: germline.
Comment: This sequence change replaces asparagine, which is neutral and polar, with histidine, which is basic and polar, at codon 1122 of the APC protein (p.Asn1122His). This variant is not present in population databases (gnomAD no frequency). This variant has not been reported in the literature in individuals affected with APC-related conditions. ClinVar contains an entry for this variant (Variation ID: 537528). Advanced modeling of protein sequence and biophysical properties (such as structural, functional, and spatial information, amino acid conservation, physicochemical variation, residue mobility, and thermodynamic stability) performed at Invitae indicates that this missense variant is not expected to disrupt APC protein function with a negative predictive value of 95%. In summary, the available evidence is currently insufficient to determine the role of this variant in disease. Therefore, it has been classified as a Variant of Uncertain Significance.